The following is an entry in ClinVar:

ClinVar aggregate classification (germline): Uncertain significance (1 of 4 stars; one submission).

gnomAD v4.1: 71 of 1,614,204 alleles (0.0044%); highest among the groups gnomAD compares: African/African-American, 0.073%; no homozygotes.

Submission:

Labcorp Genetics (formerly Invitae), Labcorp
Classification: Uncertain significance. Last evaluated: 2025-06-19. Review status: criteria provided, single submitter. Criteria: Invitae Variant Classification Sherloc (09022015). Collection method: clinical testing. Allele origin: germline.
Comment: This sequence change replaces glycine, which is neutral and non-polar, with serine, which is neutral and polar, at codon 20 of the BLVRA protein (p.Gly20Ser). This variant is present in population databases (rs138715080, gnomAD 0.1%), and has an allele count higher than expected for a pathogenic variant. This variant has not been reported in the literature in individuals affected with BLVRA-related conditions. An algorithm developed to predict the effect of missense changes on protein structure and function (PolyPhen-2) suggests that this variant is likely to be disruptive. In summary, the available evidence is currently insufficient to determine the role of this variant in disease. Therefore, it has been classified as a Variant of Uncertain Significance.

NM_000712.4(BLVRA):c.58G>A (p.Gly20Ser)

Gene: BLVRA (biliverdin reductase A; plus strand). Cytogenetic location: 7p13.
Variant type: single nucleotide variant.
Coding change: c.58G>A on transcript NM_000712.4 (MANE Select); coding-DNA position 58, G replaced by A.
Protein change: p.Gly20Ser; replaces glycine 20 with serine.
Molecular consequence: missense variant.
Genome position (GRCh38, 1-based): chr7:43,787,949, G>A. VCF-style: chr7-43787949-G-A. GRCh37 (hg19) VCF-style: chr7-43827548-G-A.
Other names: c.58G>A, p.Gly20Ser (NM_001253823.2); short protein forms G20S.
Identifiers: ClinVar variation 4711802 (VCV004711802.1).